The following is an entry in ClinVar:

ClinVar aggregate classification (germline): Uncertain significance. Review status: criteria provided, multiple submitters, no conflicts (2 of 4 stars). 2 submissions from 2 submitters: Uncertain significance (2). Last evaluated 2024-10-19.

Conditions:
Cardiovascular phenotype. Identifiers: MedGen CN230736.
Long QT syndrome (LQTS). Identifiers: MedGen C0023976, MeSH D008133, MONDO:0002442. Disease mechanism: loss of function. Inheritance: Various modes of inheritance.

Allele frequency attached by ClinVar (database versions not stated): ExAC 0.00001; gnomAD 0.00001; gnomAD exomes 0.00001; TOPMed 0.00003; ESP Exome Variant Server 0.00008.
gnomAD v4.1: 20 of 1,613,964 alleles (0.0012%); highest among the groups gnomAD compares: Non-Finnish European, 0.0016%; no homozygotes.

Submissions (2):

Ambry Genetics
Classification: Uncertain significance for Cardiovascular phenotype. Last evaluated: 2024-10-19. Review status: criteria provided, single submitter. Criteria: Ambry Variant Classification Scheme 2023. Collection method: clinical testing. Allele origin: germline.
Comment: The p.A2430V variant (also known as c.7289C>T), located in coding exon 38 of the ANK2 gene, results from a C to T substitution at nucleotide position 7289. The alanine at codon 2430 is replaced by valine, an amino acid with similar properties. This amino acid position is conserved. In addition, this alteration is predicted to be tolerated by in silico analysis. Since supporting evidence is limited at this time, the clinical significance of this alteration remains unclear.

Labcorp Genetics (formerly Invitae), Labcorp
Classification: Uncertain significance for Long QT syndrome. Last evaluated: 2023-05-10. Review status: criteria provided, single submitter. Criteria: Invitae Variant Classification Sherloc (09022015). Collection method: clinical testing. Allele origin: germline.
Comment: In summary, the available evidence is currently insufficient to determine the role of this variant in disease. Therefore, it has been classified as a Variant of Uncertain Significance. An algorithm developed to predict the effect of missense changes on protein structure and function (PolyPhen-2) suggests that this variant¬¨‚Ä† is likely to be tolerated. ClinVar contains an entry for this variant (Variation ID: 1758088). This variant has not been reported in the literature in individuals affected with ANK2-related conditions. This variant is present in population databases (rs373320489, gnomAD 0.0009%). This sequence change replaces alanine, which is neutral and non-polar, with valine, which is neutral and non-polar, at codon 2430 of the ANK2 protein (p.Ala2430Val).

NM_001148.6(ANK2):c.7289C>T (p.Ala2430Val)

Genes: ANK2 (ankyrin 2; plus strand), LOC126807137 (CDK7 strongly-dependent group 2 enhancer GRCh37_chr4:114276560-114277759; plus strand). Cytogenetic location: 4q26.
Variant type: single nucleotide variant.
Coding change: c.7289C>T on transcript NM_001148.6 (MANE Select); coding-DNA position 7289, C replaced by T.
Protein change: p.Ala2430Val; replaces alanine 2430 with valine.
Molecular consequence: missense variant. On other transcripts: intron variant (68).
Genome position (GRCh38, 1-based): chr4:113,355,907, C>T. VCF-style: chr4-113355907-C-T. GRCh37 (hg19) VCF-style: chr4-114277063-C-T.
Other names: c.7055C>T, p.Ala2352Val (NM_001386142.1); c.3689C>T, p.Ala1230Val (NM_001386166.1); c.7430C>T, p.Ala2477Val (NM_001386174.1); c.7406C>T, p.Ala2469Val (NM_001386175.1); c.4412-4916C>T (NM_001386186.2, NM_001386148.2); c.4214-4916C>T (NM_001354269.3); c.4292-4916C>T (NM_001386187.2); c.4253-4916C>T (NM_001386147.1); and 35 more; short protein forms A2430V, A2352V, A2469V, A1230V, A2477V.
Identifiers: ClinVar variation 1758088 (VCV001758088.5), dbSNP rs373320489, ClinGen allele CA3051571.